The following is an entry in ClinVar:

NM_024079.5(ALG8):c.459C>T (p.Phe153=)

Gene: ALG8 (ALG8 alpha-1,3-glucosyltransferase; minus strand). Cytogenetic location: 11q14.1.
Variant type: single nucleotide variant.
Coding change: c.459C>T on transcript NM_024079.5 (MANE Select); coding-DNA position 459, C replaced by T.
Protein change: p.Phe153=; no amino-acid change (phenylalanine 153 retained).
Molecular consequence: synonymous variant.
Genome position (GRCh38, 1-based): chr11:78,121,084, G>A on the plus strand (C>T on the coding strand, the complement: ALG8 is on the minus strand). VCF-style: chr11-78121084-G-A. GRCh37 (hg19) VCF-style: chr11-77832130-G-A.
Other names: c.459C>T, p.Phe153= (NM_001007027.3).
Identifiers: ClinVar variation 752216 (VCV000752216.11), dbSNP rs144501219, ClinGen allele CA6203476.
Genomic context (GRCh38, chr11:78,121,084, plus strand): 5'-CAGAATTAGTAAGGGAATAGTACATAGAATATCAAGGATACGGTCCACAATTAATAACCC[G>A]AAGTTCCACAGAAGTAATACCGACAGAATAAATTTTGGCTTTTCTGTAAGTTCTTTACCC-3'
Protein context (NP_076984.2, residues 143-163): FILSVLLLWN[Phe153=]GLLIVDHIHF

ClinVar aggregate classification (germline): Likely benign. Review status: criteria provided, multiple submitters, no conflicts (2 of 4 stars). 3 submissions from 3 submitters: Likely benign (2). 1 of the submissions does not count toward it. Last evaluated 2025-12-24.

Conditions:
ALG8-related disorder.
ALG8 congenital disorder of glycosylation. Also called: ALG8-CDG; CONGENITAL DISORDER OF GLYCOSYLATION, TYPE Ih; CDG Ih. Identifiers: Orphanet 79325, MedGen C2931002, MONDO:0011969, OMIM 608104.

Allele frequency attached by ClinVar (database versions not stated): gnomAD 0.00012 and 0.00013; TOPMed 0.00012; ExAC 0.00014; gnomAD exomes 0.00015 and 0.00016; 1000 Genomes Project 30x 0.00016; 1000 Genomes Project 0.00020; ESP Exome Variant Server 0.00023.
gnomAD v4.1: 240 of 1,613,622 alleles (0.015%); highest among the groups gnomAD compares: Admixed American, 0.055%; no homozygotes.

Submissions (3):

Labcorp Genetics (formerly Invitae), Labcorp
Classification: Likely benign for ALG8 congenital disorder of glycosylation. Last evaluated: 2025-12-24. Review status: criteria provided, single submitter. Criteria: Invitae Variant Classification Sherloc (09022015). Collection method: clinical testing. Allele origin: germline.

Blueprint Genetics
Classification: Likely benign. Last evaluated: 2024-09-14. Review status: criteria provided, single submitter. Criteria: ACMG Guidelines, 2015. Collection method: clinical testing. Allele origin: germline.

PreventionGenetics, part of Exact Sciences
Classification: Likely benign for ALG8-related condition. Last evaluated: 2022-06-27. Review status: no assertion criteria provided. Collection method: clinical testing. Allele origin: germline. Not counted in ClinVar's aggregate classification.
Comment: This variant is classified as likely benign based on ACMG/AMP sequence variant interpretation guidelines (Richards et al. 2015 PMID: 25741868, with internal and published modifications).